The following is an entry in ClinVar:

ClinVar aggregate classification (germline): Pathogenic (1 of 4 stars; one submission).

Conditions:
Glycogen storage disease, type II (IOPD). Also called: Pompe Disease; CARDIOMEGALIA GLYCOGENICA DIFFUSA; GLYCOGENOSIS, GENERALIZED, CARDIAC FORM; GSD II; POMPE DISEASE, INFANTILE-ONSET; GLYCOGEN STORAGE DISEASE II, INFANTILE-ONSET. Identifiers: Orphanet 365, MedGen C0017921, MONDO:0009290, OMIM 232300.

Submission:

Genomenon, Inc
Classification: Pathogenic for Glycogen storage disease, type II. Last evaluated: 2026-07-01. Review status: criteria provided, single submitter. Criteria: Genomenon Sequence Variant Interpretation Standards - Updated. Collection method: curation. Allele origin: germline. Affected: yes.
Comment: GAA p.Thr593HisfsTer5 (c.1776del) is a frameshift variant that is predicted to introduce a premature termination codon and result in a truncated or absent protein product. This variant has been observed in at least one proband with a GAA-related disorder (PMID:22081099). It is absent or not present at a significant frequency in gnomAD. In conclusion, we classify GAA p.Thr593HisfsTer5 (c.1776del) as a pathogenic variant.

Literature cited by the submitters: PubMed 22081099.

NM_000152.5(GAA):c.1776del (p.Thr593fs)

Gene: GAA (alpha glucosidase; plus strand). Cytogenetic location: 17q25.3.
Variant type: Deletion.
Coding change: c.1776del on transcript NM_000152.5 (MANE Select); coding-DNA position 1776, one base deleted (G; older notation c.1776delG).
Protein change: p.Thr593fs; shifts the reading frame from threonine 593.
Molecular consequence: frameshift variant.
Genome position (GRCh38, 1-based): chr17:80,112,599, G deleted; the last of 5 consecutive G bases (chr17:80,112,595-80,112,599); deleting any one gives the same sequence. VCF-style (leftmost placement, unchanged base first): chr17-80112594-CG-C. GRCh37 (hg19) VCF-style: chr17-78086393-CG-C.
Other names: c.1776del, p.Thr593fs (NM_001079803.3, NM_001079804.3, NM_001406741.1 and 1 more transcripts); short protein forms T593fs.
Identifiers: ClinVar variation 4876278 (VCV004876278.1).